The following is an entry in ClinVar:

NM_206926.2(SELENON):c.761_762del (p.Val254fs)

Gene: SELENON (selenoprotein N; plus strand). Cytogenetic location: 1p36.11.
Variant type: Microsatellite.
Coding change: c.761_762del on transcript NM_206926.2 (MANE Select); coding-DNA positions 761 to 762, 2 bases deleted (TG; older notation c.761_762delTG).
Protein change: p.Val254fs; shifts the reading frame from valine 254.
Molecular consequence: frameshift variant.
Genome position (GRCh38, 1-based): chr1:25,809,141-25,809,142, TG deleted; deleting any 2 consecutive bases within chr1:25,809,139-25,809,142 gives the same sequence; the c. name uses the placement nearest the transcript's 3' end. VCF-style (leftmost placement, unchanged base first): chr1-25809138-CTG-C. GRCh37 (hg19) VCF-style: chr1-26135629-CTG-C.
Other names: NM_020451.3(SELENON):c.863_864del; p.Val288fs; c.863_864del, p.Val288fs (NM_020451.3); c.863_864delTG (NM_020451.2); short protein forms V254fs, V288fs.
Identifiers: ClinVar variation 944327 (VCV000944327.14), dbSNP rs1184282261, ClinGen allele CA734440819.

ClinVar aggregate classification (germline): Pathogenic/Likely pathogenic. Review status: criteria provided, multiple submitters, no conflicts (2 of 4 stars). 4 submissions from 4 submitters: Pathogenic (2); Likely pathogenic (2). Last evaluated 2023-01-24.

Conditions:
Eichsfeld type congenital muscular dystrophy (CMYO3). Also called: MYOPATHY, SEPN1-RELATED; Rigid spine muscular dystrophy 1; SELENON-related myopathy; Congenital myopathy 3 with rigid spine. Identifiers: MedGen C0410180, MONDO:0100100, OMIM 602771.

Submissions (4):

Broad Center for Mendelian Genomics, Broad Institute of MIT and Harvard
Classification: Likely pathogenic. Last evaluated: 2023-01-24. Review status: criteria provided, single submitter. Criteria: ACMG Guidelines, 2015. Collection method: curation. Allele origin: germline. Inheritance: Autosomal recessive inheritance.
Comment: The p.Val288fs variant in SELENON has been reported in 1 individual in the compound heterozygous state with SELENON-RM (PMID: 16900928) and has been identified in 0.0009% (1/113024) of European (non-Finnish) chromosomes by the Genome Aggregation Database (gnomAD; dbSNP ID: rs1445226778). Although this variant has been seen in the general population in a heterozygous state, its frequency is low enough to be consistent with a recessive carrier frequency. This variant has also been reported in ClinVar (Variation ID#: 944327) and has been interpreted as pathogenic by Invitae and PerkinElmer Genomics. This variant is predicted to cause a frameshift, which alters the protein‚Äôs amino acid sequence beginning at position 288 and leads to a premature termination codon 12 amino acids downstream. This alteration is then predicted to lead to a truncated or absent protein. Loss of function of the SELENON gene is an established disease mechanism in autosomal recessive SELENON-RM. In summary, although additional studies are required to fully establish its clinical significance, this variant is likely pathogenic for autosomal recessive SELENON-RM. ACMG/AMP Criteria applied: PVS1, PM2 (Richards 2015).

Women's Health and Genetics/Laboratory Corporation of America, LabCorp
Classification: Likely pathogenic for Eichsfeld type congenital muscular dystrophy. Last evaluated: 2022-11-09. Review status: criteria provided, single submitter. Criteria: LabCorp Variant Classification Summary - May 2015. Collection method: clinical testing. Allele origin: germline.
Comment: Variant summary: SELENON (SEPN1) c.863_864delTG (p.Val288AspfsX12) results in a premature termination codon, predicted to cause a truncation of the encoded protein or absence of the protein due to nonsense mediated decay, which are commonly known mechanisms for disease. At least one truncation downstream of this position has been classified as pathogenic by our laboratory. The variant allele was found at a frequency of 4e-06 in 249206 control chromosomes (gnomAD). c.863_864delTG has been reported in the literature in the compound heterozygous state in at least two individuals affected with Eichsfeld Type Congenital Muscular Dystrophy (Rigid Spine Muscular Dystrophy) (e.g. Sponholz_2006, Villar-Quiles_2020). These data indicate that the variant is likely associated with disease. To our knowledge, no experimental evidence demonstrating an impact on protein function has been reported. Two clinical diagnostic laboratories have submitted clinical-significance assessments for this variant to ClinVar after 2014 without evidence for independent evaluation. Both laboratories classified the variant as pathogenic. Based on the evidence outlined above, the variant was classified as likely pathogenic.

Labcorp Genetics (formerly Invitae), Labcorp
Classification: Pathogenic for Eichsfeld type congenital muscular dystrophy. Last evaluated: 2019-06-17. Review status: criteria provided, single submitter. Criteria: Invitae Variant Classification Sherloc (09022015). Collection method: clinical testing. Allele origin: germline.
Comment: This sequence change creates a premature translational stop signal (p.Val288Aspfs*12) in the SELENON gene. It is expected to result in an absent or disrupted protein product. This variant is not present in population databases (ExAC no frequency). This variant has been observed with a second variant in individuals with clinical features of SELENON-related disease (PMID: 16900928). Loss-of-function variants in SELENON are known to be pathogenic (PMID: 21131290, 21670436). For these reasons, this variant has been classified as Pathogenic.

Revvity Omics, Revvity
Classification: Pathogenic for Eichsfeld type congenital muscular dystrophy. Last evaluated: 2019-05-03. Review status: criteria provided, single submitter. Criteria: ACMG Guidelines, 2015. Collection method: clinical testing. Allele origin: germline.

Literature cited by the submitters: PubMed 32796131 (cited by Women's Health and Genetics/Laboratory Corporation of America, LabCorp); PubMed 17204937 (cited by Women's Health and Genetics/Laboratory Corporation of America, LabCorp); PubMed 17951086 (cited by Women's Health and Genetics/Laboratory Corporation of America, LabCorp); PubMed 16900928 (cited by Women's Health and Genetics/Laboratory Corporation of America, LabCorp and Labcorp Genetics (formerly Invitae), Labcorp); PubMed 21131290 (cited by Labcorp Genetics (formerly Invitae), Labcorp); PubMed 21670436 (cited by Labcorp Genetics (formerly Invitae), Labcorp).